The following is an entry in ClinVar:

ClinVar aggregate classification (germline): Conflicting classifications of pathogenicity. Review status: criteria provided, conflicting classifications (1 of 4 stars). 7 submissions from 5 submitters: Uncertain significance (1); Benign (2); Likely benign (4). Last evaluated 2026-01-28.

Conditions:
Nephronophthisis. Also called: Juvenile Nephronophthisis. Identifiers: Orphanet 655, MedGen C0687120, MONDO:0019005, HP:0000090.
NPHP3-related Meckel-like syndrome. Also called: GOLDSTON SYNDROME; Meckel syndrome type 7. Identifiers: Orphanet 3032, MedGen C2673885, MONDO:0009966, OMIM 267010.
Renal-hepatic-pancreatic dysplasia 1 (RHPD1). Identifiers: MedGen C3715199, MONDO:0008833, OMIM 208540.
Nephronophthisis 3 (NPHP3). Also called: Adolescent nephronophthisis. Identifiers: Orphanet 655, MedGen C1858392, MONDO:0011456, OMIM 604387.

Allele frequency attached by ClinVar (database versions not stated): gnomAD 0.00333 and 0.00362; 1000 Genomes Project 0.00339; TOPMed 0.00367; ESP Exome Variant Server 0.00400; 1000 Genomes Project 30x 0.00406.

Submissions (7):

Labcorp Genetics (formerly Invitae), Labcorp
Classification: Benign for Nephronophthisis. Last evaluated: 2026-01-28. Review status: criteria provided, single submitter. Criteria: Invitae Variant Classification Sherloc (09022015). Collection method: clinical testing. Allele origin: germline.

Mayo Clinic Laboratories, Mayo Clinic
Classification: Likely benign. Last evaluated: 2025-10-12. Review status: criteria provided, single submitter. Criteria: ACMG Guidelines, 2015. Collection method: clinical testing. Allele origin: germline. Observed: 2 variant alleles.
Comment: BS1, BP7

Blueprint Genetics
Classification: Likely benign. Last evaluated: 2024-10-18. Review status: criteria provided, single submitter. Criteria: ACMG Guidelines, 2015. Collection method: clinical testing. Allele origin: germline.

GeneDx
Classification: Likely benign. Last evaluated: 2020-03-07. Review status: criteria provided, single submitter. Criteria: GeneDx Variant Classification Process June 2021. Collection method: clinical testing. Allele origin: germline. Affected: yes.

Illumina Laboratory Services, Illumina
Classification: Likely benign for Nephronophthisis 3. Last evaluated: 2018-01-13. Review status: criteria provided, single submitter. Criteria: ICSL Variant Classification Criteria 13 December 2019. Collection method: clinical testing. Allele origin: germline.
Comment: This variant was observed in the ICSL laboratory as part of a predisposition screen in an ostensibly healthy population. It had not been previously curated by ICSL or reported in the Human Gene Mutation Database (HGMD: prior to June 1st, 2018), and was therefore a candidate for classification through an automated scoring system. Utilizing variant allele frequency, disease prevalence and penetrance estimates, and inheritance mode, an automated score was calculated to assess if this variant is too frequent to cause the disease. Based on the score and internal cut-off values, a variant classified as likely benign is not then subjected to further curation. The score for this variant resulted in a classification of likely benign for this disease.

Illumina Laboratory Services, Illumina
Classification: Uncertain significance for NPHP3-related Meckel-like syndrome. Last evaluated: 2018-01-13. Review status: criteria provided, single submitter. Criteria: ICSL Variant Classification Criteria 13 December 2019. Collection method: clinical testing. Allele origin: germline.

Illumina Laboratory Services, Illumina
Classification: Benign for Renal-hepatic-pancreatic dysplasia 1. Last evaluated: 2018-01-13. Review status: criteria provided, single submitter. Criteria: ICSL Variant Classification Criteria 13 December 2019. Collection method: clinical testing. Allele origin: germline.
Comment: This variant was observed in the ICSL laboratory as part of a predisposition screen in an ostensibly healthy population. It had not been previously curated by ICSL or reported in the Human Gene Mutation Database (HGMD: prior to June 1st, 2018), and was therefore a candidate for classification through an automated scoring system. Utilizing variant allele frequency, disease prevalence and penetrance estimates, and inheritance mode, an automated score was calculated to assess if this variant is too frequent to cause the disease. Based on the score and internal cut-off values, a variant classified as benign is not then subjected to further curation. The score for this variant resulted in a classification of benign for this disease.

NM_153240.5(NPHP3):c.520-10C>G

Genes: NPHP3 (nephrocystin 3; minus strand), NPHP3-ACAD11 (NPHP3-ACAD11 readthrough (NMD candidate); minus strand). Cytogenetic location: 3q22.1.
Variant type: single nucleotide variant.
Coding change: c.520-10C>G on transcript NM_153240.5 (MANE Select); 10 bases into the intron before coding-DNA position 520, C replaced by G.
Molecular consequence: intron variant.
Genome position (GRCh38, 1-based): chr3:132,719,154, G>C on the plus strand (C>G on the coding strand, the complement: NPHP3 is on the minus strand). VCF-style: chr3-132719154-G-C. GRCh37 (hg19) VCF-style: chr3-132437998-G-C.
Other names: p.?.
Identifiers: ClinVar variation 379760 (VCV000379760.19), dbSNP rs200144727, ClinGen allele CA2622568.